The following is an entry in ClinVar:

ClinVar aggregate classification (germline): Uncertain significance. Review status: criteria provided, multiple submitters, no conflicts (2 of 4 stars). 2 submissions from 2 submitters: Uncertain significance (2). Last evaluated 2024-10-18.

Conditions:
Idiopathic Pulmonary Fibrosis. Also called: Idiopathic fibrosing alveolitis, chronic form; idiopathic fibrosing alveolitis. Identifiers: Orphanet 2032, MedGen C1800706, MeSH D054990, MONDO:0800504.
Dyskeratosis congenita, autosomal dominant 2. Identifiers: MedGen C3151443, MONDO:0013521, OMIM 613989.
Dyskeratosis congenita. Identifiers: Orphanet 1775, MedGen C0265965, MONDO:0015780.

Submissions (2):

Ambry Genetics
Classification: Uncertain significance for Dyskeratosis congenita. Last evaluated: 2024-10-18. Review status: criteria provided, single submitter. Criteria: Ambry Variant Classification Scheme 2023. Collection method: clinical testing. Allele origin: germline.
Comment: The p.K973T variant (also known as c.2918A>C), located in coding exon 12 of the TERT gene, results from an A to C substitution at nucleotide position 2918. The lysine at codon 973 is replaced by threonine, an amino acid with similar properties. This amino acid position is conserved. In addition, the in silico prediction for this alteration is inconclusive. Based on the available evidence, the clinical significance of this variant remains unclear.

Labcorp Genetics (formerly Invitae), Labcorp
Classification: Uncertain significance for Dyskeratosis congenita, autosomal dominant 2; Idiopathic Pulmonary Fibrosis. Last evaluated: 2023-10-23. Review status: criteria provided, single submitter. Criteria: Invitae Variant Classification Sherloc (09022015). Collection method: clinical testing. Allele origin: germline.
Comment: This sequence change replaces lysine, which is basic and polar, with threonine, which is neutral and polar, at codon 973 of the TERT protein (p.Lys973Thr). This variant is not present in population databases (gnomAD no frequency). This variant has not been reported in the literature in individuals affected with TERT-related conditions. Advanced modeling of protein sequence and biophysical properties (such as structural, functional, and spatial information, amino acid conservation, physicochemical variation, residue mobility, and thermodynamic stability) performed at Invitae indicates that this missense variant is expected to disrupt TERT protein function with a positive predictive value of 95%. In summary, the available evidence is currently insufficient to determine the role of this variant in disease. Therefore, it has been classified as a Variant of Uncertain Significance.

NM_198253.3(TERT):c.2918A>C (p.Lys973Thr)

Gene: TERT (telomerase reverse transcriptase; minus strand). Cytogenetic location: 5p15.33.
Variant type: single nucleotide variant.
Coding change: c.2918A>C on transcript NM_198253.3 (MANE Select); coding-DNA position 2918, A replaced by C.
Protein change: p.Lys973Thr; replaces lysine 973 with threonine.
Molecular consequence: missense variant. On other transcripts: non-coding transcript variant (2).
Genome position (GRCh38, 1-based): chr5:1,260,526, T>G on the plus strand (A>C on the coding strand, the complement: TERT is on the minus strand). VCF-style: chr5-1260526-T-G. GRCh37 (hg19) VCF-style: chr5-1260641-T-G.
Other names: c.2729A>C, p.Lys910Thr (NM_001193376.3); c.2918A>C, p.Lys973Thr (NM_003219.1); short protein forms K973T, K910T.
Identifiers: ClinVar variation 2939949 (VCV002939949.4), dbSNP rs2478129698, ClinGen allele CA359069945.